The following is an entry in ClinVar:

NM_006904.7(PRKDC):c.3481G>T (p.Ala1161Ser)

Gene: PRKDC (protein kinase, DNA-activated, catalytic subunit; minus strand). Cytogenetic location: 8q11.21.
Variant type: single nucleotide variant.
Coding change: c.3481G>T on transcript NM_006904.7 (MANE Select); coding-DNA position 3481, G replaced by T.
Protein change: p.Ala1161Ser; replaces alanine 1161 with serine.
Molecular consequence: missense variant.
Genome position (GRCh38, 1-based): chr8:47,897,278, C>A on the plus strand (G>T on the coding strand, the complement: PRKDC is on the minus strand). VCF-style: chr8-47897278-C-A. GRCh37 (hg19) VCF-style: chr8-48809838-C-A.
Other names: c.3481G>T, p.Ala1161Ser (NM_001081640.2); short protein forms A1161S.
Identifiers: ClinVar variation 1731852 (VCV001731852.2), dbSNP rs977593814, ClinGen allele CA371153912.

ClinVar aggregate classification (germline): Uncertain significance (1 of 4 stars; one submission).

Submission:

Ambry Genetics
Classification: Uncertain significance. Last evaluated: 2021-11-18. Review status: criteria provided, single submitter. Criteria: Ambry Variant Classification Scheme 2023. Collection method: clinical testing. Allele origin: germline.
Comment: The p.A1161S variant (also known as c.3481G>T), located in coding exon 30 of the PRKDC gene, results from a G to T substitution at nucleotide position 3481. The alanine at codon 1161 is replaced by serine, an amino acid with similar properties. This amino acid position is conserved. In addition, this alteration is predicted to be tolerated by in silico analysis. Since supporting evidence is limited at this time, the clinical significance of this alteration remains unclear.